The following is an entry in ClinVar:

NM_001330260.2(SCN8A):c.760G>A (p.Val254Met)

Gene: SCN8A (sodium voltage-gated channel alpha subunit 8; plus strand). Cytogenetic location: 12q13.13.
Variant type: single nucleotide variant.
Coding change: c.760G>A on transcript NM_001330260.2 (MANE Select); coding-DNA position 760, G replaced by A.
Protein change: p.Val254Met; replaces valine 254 with methionine.
Molecular consequence: missense variant.
Genome position (GRCh38, 1-based): chr12:51,699,623, G>A. VCF-style: chr12-51699623-G-A. GRCh37 (hg19) VCF-style: chr12-52093407-G-A.
Other names: c.760G>A, p.Val254Met (NM_001177984.3, NM_001369788.1, NM_014191.4); short protein forms V254M.
Identifiers: ClinVar variation 373224 (VCV000373224.9), dbSNP rs1057518293, ClinGen allele CA16042903.

ClinVar aggregate classification (germline): Conflicting classifications of pathogenicity. Review status: criteria provided, conflicting classifications (1 of 4 stars). 2 submissions from 2 submitters: Pathogenic (1); Uncertain significance (1). Last evaluated 2025-03-30.

Conditions:
Early-infantile DEE. Also called: Early infantile epileptic encephalopathy; Ohtahara syndrome; Early infantile epileptic encephalopathy with suppression bursts. Identifiers: Orphanet 1934, MedGen C0393706, MONDO:0800491.

Submissions (2):

Labcorp Genetics (formerly Invitae), Labcorp
Classification: Pathogenic for Early-infantile DEE. Last evaluated: 2025-03-30. Review status: criteria provided, single submitter. Criteria: Invitae Variant Classification Sherloc (09022015). Collection method: clinical testing. Allele origin: germline.
Comment: This sequence change replaces valine, which is neutral and non-polar, with methionine, which is neutral and non-polar, at codon 254 of the SCN8A protein (p.Val254Met). This variant is not present in population databases (gnomAD no frequency). This missense change has been observed in individual(s) with clinical features of developmental and epileptic encephalopathy (internal data). In at least one individual the variant was observed to be de novo. ClinVar contains an entry for this variant (Variation ID: 373224). Invitae Evidence Modeling of protein sequence and biophysical properties (such as structural, functional, and spatial information, amino acid conservation, physicochemical variation, residue mobility, and thermodynamic stability) indicates that this missense variant is expected to disrupt SCN8A protein function with a positive predictive value of 95%. For these reasons, this variant has been classified as Pathogenic.

GeneDx
Classification: Uncertain significance. Last evaluated: 2016-11-28. Review status: criteria provided, single submitter. Criteria: GeneDx Variant Classification (06012015). Collection method: clinical testing. Allele origin: germline. Affected: yes.
Comment: The V254M variant in the SCN8A gene has not been reported previously as a pathogenic variant, nor as a benign variant, to our knowledge. The V254M variant was not observed in approximately 6400 individuals of European and African American ancestry in the NHLBI Exome Sequencing Project, indicating it is not a common benign variant in these populations. This substitution occurs at a position that is conserved across species. In silico analysis predicts this variant is probably damaging to the protein structure/function. However, the V254M variant is a conservative amino acid substitution, which is not likely to impact secondary protein structure as these residues share similar properties. Therefore, we interpret V254M as a variant of uncertain significance.